The following is an entry in ClinVar:

ClinVar aggregate classification (germline): Pathogenic (1 of 4 stars; one submission).

Conditions:
Muscular dystrophy-dystroglycanopathy (congenital with brain and eye anomalies), type a, 8 (MDDGA8). Also called: WALKER-WARBURG SYNDROME OR MUSCLE-EYE-BRAIN DISEASE, GTDC2-RELATED. Identifiers: Orphanet 899, MedGen C3553813, MONDO:0013904, OMIM 614830.

gnomAD v4.1: 2 of 1,613,854 alleles (0.00012%); highest among the groups gnomAD compares: Non-Finnish European, 0.00017%; no homozygotes.

Submission:

Labcorp Genetics (formerly Invitae), Labcorp
Classification: Pathogenic for Muscular dystrophy-dystroglycanopathy (congenital with brain and eye anomalies), type a, 8. Last evaluated: 2022-01-13. Review status: criteria provided, single submitter. Criteria: Invitae Variant Classification Sherloc (09022015). Collection method: clinical testing. Allele origin: germline.
Comment: For these reasons, this variant has been classified as Pathogenic. This variant disrupts a region of the POMGNT2 protein in which other variant(s) (p.Glu519*) have been determined to be pathogenic (Invitae). This suggests that this is a clinically significant region of the protein, and that variants that disrupt it are likely to be disease-causing. ClinVar contains an entry for this variant (Variation ID: 1055376). This variant has not been reported in the literature in individuals affected with POMGNT2-related conditions. This variant is not present in population databases (gnomAD no frequency). This sequence change creates a premature translational stop signal (p.Trp442*) in the POMGNT2 gene. While this is not anticipated to result in nonsense mediated decay, it is expected to disrupt the last 139 amino acid(s) of the POMGNT2 protein.

NM_032806.6(POMGNT2):c.1326G>A (p.Trp442Ter)

Gene: POMGNT2 (protein O-linked mannose N-acetylglucosaminyltransferase 2 (beta 1,4-); minus strand). Cytogenetic location: 3p22.1.
Variant type: single nucleotide variant.
Coding change: c.1326G>A on transcript NM_032806.6 (MANE Select); coding-DNA position 1326, G replaced by A.
Protein change: p.Trp442Ter; replaces tryptophan 442 with a stop codon.
Molecular consequence: nonsense.
Genome position (GRCh38, 1-based): chr3:43,080,106, C>T on the plus strand (G>A on the coding strand, the complement: POMGNT2 is on the minus strand). VCF-style: chr3-43080106-C-T. GRCh37 (hg19) VCF-style: chr3-43121598-C-T.
Other names: short protein forms W442*.
Identifiers: ClinVar variation 1055376 (VCV001055376.5), dbSNP rs2125699699, ClinGen allele CA352301375.
Genomic context (GRCh38, chr3:43,080,106, plus strand): 5'-CCGTATGGTTTGAATGAGGGACGGGATGTCCACCTTGGTGTCCTGGTAGATTCGGAAGAG[C>T]CACTCGGGGTTCCGGCAACAGAGATGCCGTGGGACCTCACGGCTTTGCAGGATACGGGCT-3'